The following is an entry in ClinVar:

NM_130837.3(OPA1):c.288A>T (p.Arg96Ser)

Gene: OPA1 (OPA1 mitochondrial dynamin like GTPase; plus strand). Cytogenetic location: 3q29.
Variant type: single nucleotide variant.
Coding change: c.288A>T on transcript NM_130837.3 (MANE Select); coding-DNA position 288, A replaced by T.
Protein change: p.Arg96Ser; replaces arginine 96 with serine.
Molecular consequence: missense variant. On other transcripts: 5 prime UTR variant (2).
Genome position (GRCh38, 1-based): chr3:193,614,978, A>T. VCF-style: chr3-193614978-A-T. GRCh37 (hg19) VCF-style: chr3-193332767-A-T.
Other names: c.-85A>T (NM_001354663.2, NM_001354664.2); c.288A>T, p.Arg96Ser (NM_015560.3, NM_130831.3, NM_130832.3 and 4 more transcripts); short protein forms R96S.
Identifiers: ClinVar variation 2637443 (VCV002637443.1), dbSNP rs2474577653, ClinGen allele CA355786893.

ClinVar aggregate classification (germline): Uncertain significance (1 of 4 stars; one submission).

Allele frequency attached by ClinVar (database versions not stated): gnomAD exomes below 0.00001.
gnomAD v4.1: 1 of 1,614,134 alleles (0.000062%); highest among the groups gnomAD compares: Non-Finnish European, 0.000085%; no homozygotes.

Submission:

Women's Health and Genetics/Laboratory Corporation of America, LabCorp
Classification: Uncertain significance. Last evaluated: 2023-10-24. Review status: criteria provided, single submitter. Criteria: LabCorp Variant Classification Summary - May 2015. Collection method: clinical testing. Allele origin: germline.
Comment: Variant summary: OPA1 c.288A>T (p.Arg96Ser) results in a non-conservative amino acid change in the encoded protein sequence. Three of five in-silico tools predict a damaging effect of the variant on protein function. The variant was absent in 248908 control chromosomes (gnomAD). The available data on variant occurrences in the general population are insufficient to allow any conclusion about variant significance. To our knowledge, no occurrence of c.288A>T in individuals affected with OPA1-Related Disorders and no experimental evidence demonstrating its impact on protein function have been reported. No submitters have cited clinical-significance assessments for this variant to ClinVar after 2014. Based on the evidence outlined above, the variant was classified as uncertain significance.